The following is an entry in ClinVar:

ClinVar aggregate classification (germline): Uncertain significance. Review status: criteria provided, multiple submitters, no conflicts (2 of 4 stars). 2 submissions from 2 submitters: Uncertain significance (2). Last evaluated 2025-03-26.

Conditions:
Inborn genetic diseases. Identifiers: MedGen C0950123, MeSH D030342.

Allele frequency attached by ClinVar (database versions not stated): gnomAD exomes 0.00001.

Submissions (2):

Ambry Genetics
Classification: Uncertain significance for Inborn genetic diseases. Last evaluated: 2025-03-26. Review status: criteria provided, single submitter. Criteria: Ambry Variant Classification Scheme 2023. Collection method: clinical testing. Allele origin: germline.

Labcorp Genetics (formerly Invitae), Labcorp
Classification: Uncertain significance. Last evaluated: 2024-10-24. Review status: criteria provided, single submitter. Criteria: Invitae Variant Classification Sherloc (09022015). Collection method: clinical testing. Allele origin: germline.
Comment: This sequence change replaces proline, which is neutral and non-polar, with leucine, which is neutral and non-polar, at codon 740 of the DOCK6 protein (p.Pro740Leu). This variant is not present in population databases (gnomAD no frequency). This variant has not been reported in the literature in individuals affected with DOCK6-related conditions. ClinVar contains an entry for this variant (Variation ID: 2083734). Invitae Evidence Modeling of protein sequence and biophysical properties (such as structural, functional, and spatial information, amino acid conservation, physicochemical variation, residue mobility, and thermodynamic stability) indicates that this missense variant is expected to disrupt DOCK6 protein function with a positive predictive value of 80%. In summary, the available evidence is currently insufficient to determine the role of this variant in disease. Therefore, it has been classified as a Variant of Uncertain Significance.

NM_020812.4(DOCK6):c.2219C>T (p.Pro740Leu)

Gene: DOCK6 (dedicator of cytokinesis 6; minus strand). Cytogenetic location: 19p13.2.
Variant type: single nucleotide variant.
Coding change: c.2219C>T on transcript NM_020812.4 (MANE Select); coding-DNA position 2219, C replaced by T.
Protein change: p.Pro740Leu; replaces proline 740 with leucine.
Molecular consequence: missense variant.
Genome position (GRCh38, 1-based): chr19:11,236,519, G>A on the plus strand (C>T on the coding strand, the complement: DOCK6 is on the minus strand). VCF-style: chr19-11236519-G-A. GRCh37 (hg19) VCF-style: chr19-11347195-G-A.
Other names: c.2219C>T, p.Pro740Leu (NM_001367830.1); c.2219C>T (NM_020812.2); short protein forms P740L.
Identifiers: ClinVar variation 2083734 (VCV002083734.5), dbSNP rs2513115727, ClinGen allele CA404097987.
Genomic context (GRCh38, chr19:11,236,519, plus strand): 5'-CTGGCCCGCAGCTCCTGCTCCACGTTGCCCTCGCTCAGCACAGTGTCCTTGAGCCGGAAT[G>A]GGAAGGCTCCCTCCTCCAGGACGTGCACCAGGGTGAAGAATTTGTCCAGGTAGGGGTCCT-3'
Protein context (NP_065863.2, residues 730-750): LVHVLEEGAF[Pro740Leu]FRLKDTVLSE